The following is an entry in ClinVar:

NM_000875.5(IGF1R):c.2876A>G (p.His959Arg)

Gene: IGF1R (insulin like growth factor 1 receptor; plus strand). Cytogenetic location: 15q26.3.
Variant type: single nucleotide variant.
Coding change: c.2876A>G on transcript NM_000875.5 (MANE Select); coding-DNA position 2876, A replaced by G.
Protein change: p.His959Arg; replaces histidine 959 with arginine.
Molecular consequence: missense variant.
Genome position (GRCh38, 1-based): chr15:98,929,651, A>G. VCF-style: chr15-98929651-A-G. GRCh37 (hg19) VCF-style: chr15-99472880-A-G.
Other names: c.2873A>G, p.His958Arg (NM_001291858.2); short protein forms H958R, H959R.
Identifiers: ClinVar variation 1961950 (VCV001961950.5), dbSNP rs2506049480, ClinGen allele CA393682910.

ClinVar aggregate classification (germline): Uncertain significance (1 of 4 stars; one submission).

Allele frequency attached by ClinVar (database versions not stated): gnomAD exomes below 0.00001.
gnomAD v4.1: 1 of 1,610,934 alleles (0.000062%); highest among the groups gnomAD compares: South Asian, 0.0011%; no homozygotes.

Submission:

Labcorp Genetics (formerly Invitae), Labcorp
Classification: Uncertain significance. Last evaluated: 2025-10-27. Review status: criteria provided, single submitter. Criteria: Invitae Variant Classification Sherloc (09022015). Collection method: clinical testing. Allele origin: germline.
Comment: This sequence change replaces histidine, which is basic and polar, with arginine, which is basic and polar, at codon 959 of the IGF1R protein (p.His959Arg). This variant is not present in population databases (gnomAD no frequency). This variant has not been reported in the literature in individuals affected with IGF1R-related conditions. ClinVar contains an entry for this variant (Variation ID: 1961950). Invitae Evidence Modeling of protein sequence and biophysical properties (such as structural, functional, and spatial information, amino acid conservation, physicochemical variation, residue mobility, and thermodynamic stability) indicates that this missense variant is not expected to disrupt IGF1R protein function with a negative predictive value of 80%. In summary, the available evidence is currently insufficient to determine the role of this variant in disease. Therefore, it has been classified as a Variant of Uncertain Significance.